The following is an entry in ClinVar:

NM_004958.4(MTOR):c.7367-1G>T

Gene: MTOR (mechanistic target of rapamycin kinase; minus strand). Cytogenetic location: 1p36.22.
Variant type: single nucleotide variant.
Coding change: c.7367-1G>T on transcript NM_004958.4 (MANE Select); the canonical splice acceptor site of the intron before coding-DNA position 7367, G replaced by T.
Molecular consequence: splice acceptor variant.
Genome position (GRCh38, 1-based): chr1:11,109,730, C>A on the plus strand (G>T on the coding strand, the complement: MTOR is on the minus strand). VCF-style: chr1-11109730-C-A. GRCh37 (hg19) VCF-style: chr1-11169787-C-A.
Other names: c.6119-1G>T (NM_001386501.1); c.7367-1G>T (NM_001386500.1).
Identifiers: ClinVar variation 4716583 (VCV004716583.1).

ClinVar aggregate classification (germline): Uncertain significance (1 of 4 stars; one submission).

Submission:

Labcorp Genetics (formerly Invitae), Labcorp
Classification: Uncertain significance. Last evaluated: 2025-04-02. Review status: criteria provided, single submitter. Criteria: Invitae Variant Classification Sherloc (09022015). Collection method: clinical testing. Allele origin: germline.
Comment: This sequence change affects an acceptor splice site in intron 54 of the MTOR gene. It is expected to disrupt RNA splicing. Variants that disrupt the donor or acceptor splice site typically lead to a loss of protein function (PMID: 16199547), however the current clinical and genetic evidence is not sufficient to establish whether loss-of-function variants in MTOR cause disease. This variant is not present in population databases (gnomAD no frequency). This variant has not been reported in the literature in individuals affected with MTOR-related conditions. Algorithms developed to predict the effect of sequence changes on RNA splicing suggest that this variant may disrupt the consensus splice site. In summary, the available evidence is currently insufficient to determine the role of this variant in disease. Therefore, it has been classified as a Variant of Uncertain Significance.

Literature cited by the submitters: PubMed 16199547.